The following is an entry in ClinVar:

ClinVar aggregate classification (germline): Pathogenic (1 of 4 stars; one submission).

Conditions:
Legius syndrome. Identifiers: Orphanet 137605, MedGen C1969623, MONDO:0012669, OMIM 611431. Disease mechanism: loss of function.

Submission:

Victorian Clinical Genetics Services, Murdoch Childrens Research Institute
Classification: Pathogenic for Legius syndrome. Last evaluated: 2021-05-06. Review status: criteria provided, single submitter. Criteria: ACMG Guidelines, 2015. Collection method: clinical testing. Allele origin: germline. Inheritance: Autosomal dominant inheritance. Affected: yes.
Comment: Based on the classification scheme VCGS_Germline_v1.3.4, this variant is classified as Pathogenic. Following criteria are met: 0102 - Loss of function is a known mechanism of disease in this gene and is associated with Legius syndrome, MIM#611431. (I) 0107 - This gene is associated with autosomal dominant disease. (I) 0205 - Variant is predicted to result in a truncated protein (premature termination codon is NOT located at least 54 nucleotides upstream of the final exon-exon junction) with less than 1/3 of the protein sequence affected. (SP) 0251 - This variant is heterozygous. (I) 0301 - Variant is absent from gnomAD (both v2 and v3). (SP) 0600 - Variant is located upstream of the annotated SPROUTY domain (Pfam). (I) 0701 - Other truncating variants comparable to the one identified in this case have very strong previous evidence for pathogenicity. Multiple nonsense and frameshift variants downstream of this variant have been reported in individuals with Legius syndrome (ClinVar, PMID: 17704776). (SP) 0807 - This variant has no previous evidence of pathogenicity. (I) 0905 - No published segregation evidence has been identified for this variant. (I) 1007 - No published functional evidence has been identified for this variant. (I) 1208 - Inheritance information for this variant is not currently available in this individual. (I) Legend: (SP) - Supporting pathogenic, (I) - Information, (SB) - Supporting benign

Literature cited by the submitters: PubMed 17704776.

NM_152594.3(SPRED1):c.950C>G (p.Ser317Ter)

Gene: SPRED1 (sprouty related EVH1 domain containing 1; plus strand). Cytogenetic location: 15q14.
Variant type: single nucleotide variant.
Coding change: c.950C>G on transcript NM_152594.3 (MANE Select); coding-DNA position 950, C replaced by G.
Protein change: p.Ser317Ter; replaces serine 317 with a stop codon.
Molecular consequence: nonsense.
Genome position (GRCh38, 1-based): chr15:38,351,279, C>G. VCF-style: chr15-38351279-C-G. GRCh37 (hg19) VCF-style: chr15-38643480-C-G.
Other names: short protein forms S317*.
Identifiers: ClinVar variation 1804995 (VCV001804995.1), dbSNP rs2542743179, ClinGen allele CA391933608.